The following is an entry in ClinVar:

ClinVar aggregate classification (germline): Uncertain significance (0 of 4 stars; one submission).

Conditions:
DSCAM-related disorder. Also called: DSCAM-related condition.

Allele frequency attached by ClinVar (database versions not stated): ExAC 0.00001; gnomAD 0.00001; TOPMed 0.00002.

Submission:

PreventionGenetics, part of Exact Sciences
Classification: Uncertain significance for DSCAM-related condition. Last evaluated: 2023-10-26. Review status: no assertion criteria provided. Collection method: clinical testing. Allele origin: germline.
Comment: The DSCAM c.722G>A variant is predicted to result in the amino acid substitution p.Arg241His. To our knowledge, this variant has not been reported in the literature. This variant is reported in 0.00090% of alleles in individuals of European (Non-Finnish) descent in gnomAD. At this time, the clinical significance of this variant is uncertain due to the absence of conclusive functional and genetic evidence.

NM_001389.5(DSCAM):c.722G>A (p.Arg241His)

Gene: DSCAM (DS cell adhesion molecule; minus strand). Cytogenetic location: 21q22.2.
Variant type: single nucleotide variant.
Coding change: c.722G>A on transcript NM_001389.5 (MANE Select); coding-DNA position 722, G replaced by A.
Protein change: p.Arg241His; replaces arginine 241 with histidine.
Molecular consequence: missense variant. On other transcripts: non-coding transcript variant (1).
Genome position (GRCh38, 1-based): chr21:40,353,677, C>T on the plus strand (G>A on the coding strand, the complement: DSCAM is on the minus strand). VCF-style: chr21-40353677-C-T. GRCh37 (hg19) VCF-style: chr21-41725604-C-T.
Other names: c.722G>A, p.Arg241His (NM_001271534.3, NM_206887.1); short protein forms R241H.
Identifiers: ClinVar variation 3061576 (VCV003061576.2), dbSNP rs745604804, ClinGen allele CA10031662.